The following is an entry in ClinVar:

ClinVar aggregate classification (germline): Uncertain significance (1 of 4 stars; one submission).

Conditions:
Cardiovascular phenotype. Identifiers: MedGen CN230736.

gnomAD v4.1: 2 of 1,580,418 alleles (0.00013%); highest among the groups gnomAD compares: Non-Finnish European, 0.00017%; no homozygotes.

Submission:

Ambry Genetics
Classification: Uncertain significance for Cardiovascular phenotype. Last evaluated: 2026-07-31. Review status: criteria provided, single submitter. Criteria: Ambry Variant Classification Scheme 2023. Collection method: clinical testing. Allele origin: germline.
Comment: The p.L103V variant (also known as c.307C>G), located in coding exon 1 of the TNXB gene, results from a C to G substitution at nucleotide position 307. The leucine at codon 103 is replaced by valine, an amino acid with highly similar properties. This amino acid position is conserved. In addition, the in silico prediction for this alteration is inconclusive. Based on the available evidence, the clinical significance of this variant remains unclear.

NM_001365276.2(TNXB):c.307C>G (p.Leu103Val)

Gene: TNXB (tenascin XB; minus strand). Cytogenetic location: 6p21.33.
Variant type: single nucleotide variant.
Coding change: c.307C>G on transcript NM_001365276.2 (MANE Select); coding-DNA position 307, C replaced by G.
Protein change: p.Leu103Val; replaces leucine 103 with valine.
Molecular consequence: missense variant.
Genome position (GRCh38, 1-based): chr6:32,097,892, G>C on the plus strand (C>G on the coding strand, the complement: TNXB is on the minus strand). VCF-style: chr6-32097892-G-C. GRCh37 (hg19) VCF-style: chr6-32065669-G-C.
Other names: c.307C>G, p.Leu103Val (NM_001428335.1, NM_019105.8); short protein forms L103V.
Identifiers: ClinVar variation 5031036 (VCV005031036.1).